The following is an entry in ClinVar:

GRCh37/hg19 14q21.3(chr14:47463065-48139966)x1

Gene: MDGA2 (MAM domain containing glycosylphosphatidylinositol anchor 2; minus strand). Cytogenetic location: 14q21.3.
Variant type: copy number loss.
Change: copy number 1 (one copy instead of two) of chr14:47,463,065-48,139,966 (676.9 kb, GRCh37 coordinates, 1-based), cytogenetic band 14q21.3.
Identifiers: ClinVar variation 1328463 (VCV001328463.4).

ClinVar aggregate classification (germline): Uncertain significance (1 of 4 stars; one submission).

Submission:

Illumina Laboratory Services, Illumina
Classification: Uncertain significance. Last evaluated: 2021-03-05. Review status: criteria provided, single submitter. Criteria: ICSL CNVClassificationCriteria Aug2020. Collection method: clinical testing. Allele origin: unknown.
Comment: This CNV is a 677 kb loss of 14q21.3, on chromosome 14, (seq[GRCh37]del(14)(q21.3); chr14:g.47463065_48139966del) that is inherited. The CNV constitutes a partial loss of the MDGA2 gene, which does not currently have an established gene-disease relationship. Individuals with similar losses in this region have not been reported in the peer-reviewed literature, in published controls, or in DECIPHER or the developmental delay cohort (Coe et al. 2014). Based on the limited evidence, this CNV is classified as a variant of uncertain significance.

Literature cited by the submitters: PubMed 19344873; PubMed 25217958.